The following is an entry in ClinVar:

ClinVar aggregate classification (germline): Uncertain significance (1 of 4 stars; one submission).

Allele frequency attached by ClinVar (database versions not stated): TOPMed below 0.00001; gnomAD 0.00001.
gnomAD v4.1: 1 of 1,587,168 alleles (0.000063%); highest among the groups gnomAD compares: Admixed American, 0.0017%; no homozygotes.

Submission:

Labcorp Genetics (formerly Invitae), Labcorp
Classification: Uncertain significance. Last evaluated: 2022-05-04. Review status: criteria provided, single submitter. Criteria: Invitae Variant Classification Sherloc (09022015). Collection method: clinical testing. Allele origin: germline.
Comment: In summary, the available evidence is currently insufficient to determine the role of this variant in disease. Therefore, it has been classified as a Variant of Uncertain Significance. Algorithms developed to predict the effect of missense changes on protein structure and function output the following: SIFT: "Tolerated"; PolyPhen-2: "Benign"; Align-GVGD: "Class C0". The leucine amino acid residue is found in multiple mammalian species, which suggests that this missense change does not adversely affect protein function. This variant has not been reported in the literature in individuals affected with LAMA5-related conditions. This variant is not present in population databases (gnomAD no frequency). This sequence change replaces phenylalanine, which is neutral and non-polar, with leucine, which is neutral and non-polar, at codon 1647 of the LAMA5 protein (p.Phe1647Leu).

NM_005560.6(LAMA5):c.4939T>C (p.Phe1647Leu)

Gene: LAMA5 (laminin subunit alpha 5; minus strand). Cytogenetic location: 20q13.33.
Variant type: single nucleotide variant.
Coding change: c.4939T>C on transcript NM_005560.6 (MANE Select); coding-DNA position 4939, T replaced by C.
Protein change: p.Phe1647Leu; replaces phenylalanine 1647 with leucine.
Molecular consequence: missense variant.
Genome position (GRCh38, 1-based): chr20:62,327,406, A>G on the plus strand (T>C on the coding strand, the complement: LAMA5 is on the minus strand). VCF-style: chr20-62327406-A-G. GRCh37 (hg19) VCF-style: chr20-60902462-A-G.
Other names: short protein forms F1647L.
Identifiers: ClinVar variation 1929681 (VCV001929681.5), dbSNP rs1979493806, ClinGen allele CA409564676.